The following is an entry in ClinVar:

NM_002878.4(RAD51D):c.264-5A>T

Genes: RAD51L3-RFFL (RAD51L3-RFFL readthrough; minus strand), RAD51D (RAD51 paralog D; minus strand). Cytogenetic location: 17q12.
Variant type: single nucleotide variant.
Coding change: c.264-5A>T on transcript NM_002878.4 (MANE Select); 5 bases into the intron before coding-DNA position 264, A replaced by T.
Molecular consequence: intron variant.
Genome position (GRCh38, 1-based): chr17:35,107,452, T>A on the plus strand (A>T on the coding strand, the complement: RAD51D is on the minus strand). VCF-style: chr17-35107452-T-A. GRCh37 (hg19) VCF-style: chr17-33434471-T-A.
Other names: c.145-971A>T (NM_133629.3); c.324-5A>T (NM_001142571.2).
Identifiers: ClinVar variation 492420 (VCV000492420.13), dbSNP rs1169894160, ClinGen allele CA658684032.

ClinVar aggregate classification (germline): Likely benign. Review status: criteria provided, multiple submitters, no conflicts (2 of 4 stars). 3 submissions from 3 submitters: Likely benign (3). Last evaluated 2025-02-20.

Conditions:
Hereditary cancer-predisposing syndrome. Also called: Hereditary neoplastic syndrome; Tumor predisposition; Hereditary Cancer Syndrome; Neoplastic Syndromes, Hereditary. Identifiers: Orphanet 140162, MedGen C0027672, MeSH D009386, MONDO:0015356.
Breast-ovarian cancer, familial, susceptibility to, 4. Identifiers: Orphanet 145, MedGen C3280345, MONDO:0013669, OMIM 614291.

Submissions (3):

Myriad Genetics, Inc.
Classification: Likely benign for Breast-ovarian cancer, familial, susceptibility to, 4. Last evaluated: 2025-02-20. Review status: criteria provided, single submitter. Criteria: Myriad Autosomal Dominant, Autosomal Recessive and X-Linked Classification Criteria (2023). Collection method: clinical testing. Allele origin: unknown.
Comment: This variant is considered likely benign. This variant is intronic and is not expected to impact mRNA splicing.

Labcorp Genetics (formerly Invitae), Labcorp
Classification: Likely benign for Breast-ovarian cancer, familial, susceptibility to, 4. Last evaluated: 2022-10-25. Review status: criteria provided, single submitter. Criteria: Invitae Variant Classification Sherloc (09022015). Collection method: clinical testing. Allele origin: germline.

Color Diagnostics, LLC DBA Color Health
Classification: Likely benign for Hereditary cancer-predisposing syndrome. Last evaluated: 2017-02-17. Review status: criteria provided, single submitter. Criteria: ACMG Guidelines, 2015. Collection method: clinical testing. Allele origin: germline.